The following is an entry in ClinVar:

NM_000038.6(APC):c.5860_5863del (p.Phe1954fs)

Gene: APC (APC regulator of Wnt signaling pathway; plus strand). Cytogenetic location: 5q22.2.
Variant type: Deletion.
Coding change: c.5860_5863del on transcript NM_000038.6 (MANE Select); coding-DNA positions 5860 to 5863, 4 bases deleted (TTTG; older notation c.5860_5863delTTTG).
Protein change: p.Phe1954fs; shifts the reading frame from phenylalanine 1954.
Molecular consequence: frameshift variant.
Genome position (GRCh38, 1-based): chr5:112,841,454-112,841,457, TTTG deleted. VCF-style (leftmost placement, unchanged base first): chr5-112841453-TTTTG-T. GRCh37 (hg19) VCF-style: chr5-112177150-TTTTG-T.
Other names: c.5860_5863del, p.Phe1954fs (NM_001127510.3, NM_001354895.2); c.5806_5809del, p.Phe1936fs (NM_001127511.3); c.5914_5917del, p.Phe1972fs (NM_001354896.2); c.5890_5893del, p.Phe1964fs (NM_001354897.2); c.5785_5788del, p.Phe1929fs (NM_001354898.2); c.5776_5779del, p.Phe1926fs (NM_001354899.2); c.5737_5740del, p.Phe1913fs (NM_001354900.2); c.5683_5686del, p.Phe1895fs (NM_001354901.2); and 5 more; short protein forms F1926fs, F1671fs, F1794fs, F1913fs, F1936fs, F1964fs, F1828fs, F1863fs.
Identifiers: ClinVar variation 537536 (VCV000537536.10), dbSNP rs1554087036, ClinGen allele CA658796579.

ClinVar aggregate classification (germline): Pathogenic (1 of 4 stars; one submission).

Conditions:
Familial adenomatous polyposis 1 (FAP1). Also called: FAMILIAL ADENOMATOUS POLYPOSIS 1, ATTENUATED; POLYPOSIS, ADENOMATOUS INTESTINAL. Identifiers: MedGen C2713442, MONDO:0021056, OMIM 175100. Disease mechanism: loss of function.

Submission:

Labcorp Genetics (formerly Invitae), Labcorp
Classification: Pathogenic for Familial adenomatous polyposis 1. Last evaluated: 2017-12-18. Review status: criteria provided, single submitter. Criteria: Invitae Variant Classification Sherloc (09022015). Collection method: clinical testing. Allele origin: germline.
Comment: This sequence change results in a premature translational stop signal in the APC gene (p.Phe1954Leufs*15). While this is not anticipated to result in nonsense mediated decay, it is expected to disrupt the last 890 amino acids (~31%) of the APC protein. For these reasons, this variant has been classified as Pathogenic. Different truncations (p.Ser1973Valfs*71, p.Asn1979fs*64, and p.Glu1985Leufs*58) that lie downstream of this variant has been determined to be pathogenic (PMID: 20223039, 20434453, 9824584, 26681312). This suggests that deletion of this region of the APC protein is causative of disease. This variant has not been reported in the literature in individuals with APC-related disease. This variant is not present in population databases (ExAC no frequency).

Literature cited by the submitters: PubMed 20223039; PubMed 20434453; PubMed 9824584; PubMed 26681312.